The following is an entry in ClinVar:

NM_144991.3(TSPEAR):c.38del (p.Leu13fs)

Gene: TSPEAR (thrombospondin type laminin G domain and EAR repeats; minus strand). Cytogenetic location: 21q22.3.
Variant type: Deletion.
Coding change: c.38del on transcript NM_144991.3 (MANE Select); coding-DNA position 38, one base deleted (T; older notation c.38delT).
Protein change: p.Leu13fs; shifts the reading frame from leucine 13.
Molecular consequence: frameshift variant. On other transcripts: 5 prime UTR variant (1).
Genome position (GRCh38, 1-based): chr21:44,711,477, A deleted on the plus strand (T on the coding strand, the reverse complement: TSPEAR is on the minus strand). VCF-style (leftmost placement, unchanged base first): chr21-44711476-CA-C. GRCh37 (hg19) VCF-style: chr21-46131391-CA-C.
Other names: c.-229del (NM_001272037.2); c.38del (NM_144991.2); short protein forms L13fs.
Identifiers: ClinVar variation 1399988 (VCV001399988.13), dbSNP rs778688031, ClinGen allele CA10061757.

ClinVar aggregate classification (germline): Pathogenic/Likely pathogenic. Review status: criteria provided, multiple submitters, no conflicts (2 of 4 stars). 7 submissions from 7 submitters: Pathogenic (4); Likely pathogenic (3). Last evaluated 2026-09-24.

Conditions:
TSPEAR-related disorder. Also called: TSPEAR-related condition.
Ectodermal dysplasia 14, hair/tooth type with or without hypohidrosis. Identifiers: Orphanet 685067, MedGen C4748560, MONDO:0032584, OMIM 618180.
Ectodermal dysplasia. Also called: Ectodermal dysplasia syndrome. Identifiers: Orphanet 79373, MedGen C0013575, MONDO:0019287, HP:0000968.

Allele frequency attached by ClinVar (database versions not stated): TOPMed 0.00015; gnomAD exomes 0.00023 and 0.00008; gnomAD 0.00011 and 0.00010; ESP Exome Variant Server 0.00048; ExAC 0.00009.

Submissions (7):

Genetics Laboratory, Great Ormond Street Hospital NHS Foundation Trust, North Thames Genomic Laboratory Hub
Classification: Likely pathogenic for Ectodermal dysplasia. Last evaluated: 2026-09-24. Review status: criteria provided, single submitter. Criteria: ACGS Best Practice Guidelines for Variant Classification in Rare Disease 2024 v1.2. Collection method: clinical testing. Allele origin: germline. Affected: yes.
Comment: PM2_moderate, PVS1_strong, PM3_moderate

Lupski Lab, Baylor-Hopkins CMG, Baylor College of Medicine
Classification: Pathogenic for Ectodermal dysplasia 14, hair/tooth type with or without hypohidrosis. Last evaluated: 2026-06-30. Review status: criteria provided, single submitter. Criteria: ACMG Guidelines, 2015. Collection method: research. Allele origin: paternal, maternal, germline. Inheritance: Autosomal recessive inheritance. Affected: yes and no. Observed: 6 variant alleles, 2 heterozygotes, 4 compound heterozygotes. Clinical features observed: Keratosis pilaris (HP:0032152), Fine hair (HP:0002213), Brittle hair (HP:0002299), Abnormal toenail morphology (HP:0008388), Concave nail (HP:0001598), Fragile nails (HP:0001808), Tooth agenesis (HP:0009804), Hypodontia (HP:0000668), Small, conical teeth (HP:0200141), Abnormal dental morphology (HP:0006482), Abnormal sweat gland morphology (HP:0000971), Heat intolerance (HP:0002046), and 20 more.
Comment: This c.38del variant was observed in 2 individuals with Ectodermal Dysplasia from 2 unrelated families. Each individual had a damaging variant confirmed in trans, as has been reported in other ClinVar submissions (ClinVar IDs: 1399988) (PM3_Strong= +4pts). This is a null variant in a gene where loss of function is a known mechanism of disease (PVS1_Very Strong= +8pts). It is at extremely low frequency in gnomAD (PM2_Supporting= +1pt). 13 pts (PM3 +4, PVS1 +8, PM2 +1).

PreventionGenetics, part of Exact Sciences
Classification: Likely pathogenic for TSPEAR-related condition. Last evaluated: 2026-04-22. Review status: criteria provided, single submitter. Criteria: ACMG Guidelines, 2015. Collection method: clinical testing. Allele origin: germline.
Comment: The TSPEAR c.38delT variant is predicted to result in a frameshift and premature protein termination (p.Leu13Argfs*38). This variant was reported in an individual with ectodermal dysplasia and tooth agenesis along with a second nonsense variant in TSPEAR (Patient 5, Table 1, Bowles et al. 2021. PubMed ID: 34042254). This variant is reported in 0.017% of alleles in individuals of European (Non-Finnish) descent in gnomAD. Frameshift variants in TSPEAR are expected to be pathogenic. This variant is interpreted as likely pathogenic.

Labcorp Genetics (formerly Invitae), Labcorp
Classification: Pathogenic. Last evaluated: 2026-01-23. Review status: criteria provided, single submitter. Criteria: Invitae Variant Classification Sherloc (09022015). Collection method: clinical testing. Allele origin: germline.
Comment: This sequence change creates a premature translational stop signal (p.Leu13Argfs*38) in the TSPEAR gene. It is expected to result in an absent or disrupted protein product. Loss-of-function variants in TSPEAR are known to be pathogenic (PMID: 34042254). This variant is present in population databases (rs778688031, gnomAD 0.02%). This premature translational stop signal has been observed in individuals with clinical features of ectodermal dysplasia (PMID: 34042254; internal data). ClinVar contains an entry for this variant (Variation ID: 1399988). For these reasons, this variant has been classified as Pathogenic.

GeneDx
Classification: Pathogenic. Last evaluated: 2025-08-24. Review status: criteria provided, single submitter. Criteria: GeneDx Variant Classification Process June 2021. Collection method: clinical testing. Allele origin: germline.
Comment: Frameshift variant predicted to result in protein truncation or nonsense mediated decay in a gene for which loss of function is a known mechanism of disease; This variant is associated with the following publications: (PMID: 35741818, 34042254)

Blueprint Genetics
Classification: Pathogenic for TSPEAR-related disorders. Last evaluated: 2024-10-02. Review status: criteria provided, single submitter. Criteria: ACMG Guidelines, 2015. Collection method: clinical testing. Allele origin: germline. Affected: yes. Observed: 5 variant alleles.

Revvity Omics, Revvity
Classification: Likely pathogenic. Last evaluated: 2023-12-27. Review status: criteria provided, single submitter. Criteria: ACMG Guidelines, 2015. Collection method: clinical testing. Allele origin: germline.

Literature cited by the submitters: PubMed 34042254 (cited by Labcorp Genetics (formerly Invitae), Labcorp).